The following is an entry in ClinVar:

ClinVar aggregate classification (germline): Uncertain significance (1 of 4 stars; one submission).

Conditions:
Cardiomyopathy (CMYO). Also called: Cardiomyopathies. Identifiers: Orphanet 167848, MedGen C0878544, MONDO:0004994, HP:0001638. Inheritance: Various modes of inheritance.

Submission:

Color Diagnostics, LLC DBA Color Health
Classification: Uncertain significance for Cardiomyopathy. Last evaluated: 2024-03-06. Review status: criteria provided, single submitter. Criteria: ACMG Guidelines, 2015. Collection method: clinical testing. Allele origin: germline.
Comment: This missense variant replaces arginine with methionine at codon 1637 of the DSP protein. Computational prediction tool suggests that this variant may not impact protein structure and function (internally defined REVEL score threshold <=0.5, PMID: 27666373). Splice site prediction tools suggest that this variant may not impact RNA splicing. To our knowledge, functional studies have not been performed for this variant. This variant has not been reported in individuals affected with cardiovascular disorders in the literature. This variant has not been identified in the general population by the Genome Aggregation Database (gnomAD). The available evidence is insufficient to determine the role of this variant in disease conclusively. Therefore, this variant is classified as a Variant of Uncertain Significance.

NM_004415.4(DSP):c.4910G>T (p.Arg1637Met)

Gene: DSP (desmoplakin; plus strand). Cytogenetic location: 6p24.3.
Variant type: single nucleotide variant.
Coding change: c.4910G>T on transcript NM_004415.4 (MANE Select); coding-DNA position 4910, G replaced by T.
Protein change: p.Arg1637Met; replaces arginine 1637 with methionine.
Molecular consequence: missense variant. On other transcripts: intron variant (2).
Genome position (GRCh38, 1-based): chr6:7,581,100, G>T. VCF-style: chr6-7581100-G-T. GRCh37 (hg19) VCF-style: chr6-7581333-G-T.
Other names: c.4050+860G>T (NM_001319034.2); c.3582+1328G>T (NM_001008844.3); short protein forms R1637M.
Identifiers: ClinVar variation 928285 (VCV000928285.4), dbSNP rs1759423209, ClinGen allele CA362687423.